The following is an entry in ClinVar:

ClinVar aggregate classification (germline): Uncertain significance (1 of 4 stars; one submission).

Conditions:
3-methylcrotonyl-CoA carboxylase 2 deficiency. Also called: METHYLCROTONYLGLYCINURIA, TYPE II; 3 alpha methylcrotonyl-CoA carboxylase 2 deficiency; 3 alpha methylcrotonylglycinuria 2; MCC 2 deficiency; Methylcrotonylglycinuria type 2. Identifiers: Orphanet 6, MedGen C1859499, MONDO:0008862, OMIM 210210.

Submission:

Labcorp Genetics (formerly Invitae), Labcorp
Classification: Uncertain significance for 3-methylcrotonyl-CoA carboxylase 2 deficiency. Last evaluated: 2021-01-18. Review status: criteria provided, single submitter. Criteria: Invitae Variant Classification Sherloc (09022015). Collection method: clinical testing. Allele origin: germline.
Comment: Advanced modeling of protein sequence and biophysical properties (such as structural, functional, and spatial information, amino acid conservation, physicochemical variation, residue mobility, and thermodynamic stability) performed at Invitae indicates that this missense variant is expected to disrupt MCCC2 protein function. This sequence change replaces phenylalanine with serine at codon 329 of the MCCC2 protein (p.Phe329Ser). The phenylalanine residue is highly conserved and there is a large physicochemical difference between phenylalanine and serine. This variant is not present in population databases (ExAC no frequency). This variant has not been reported in the literature in individuals with MCCC2-related conditions. In summary, the available evidence is currently insufficient to determine the role of this variant in disease. Therefore, it has been classified as a Variant of Uncertain Significance.

NM_022132.5(MCCC2):c.986T>C (p.Phe329Ser)

Gene: MCCC2 (methylcrotonyl-CoA carboxylase subunit 2; plus strand). Cytogenetic location: 5q13.2.
Variant type: single nucleotide variant.
Coding change: c.986T>C on transcript NM_022132.5 (MANE Select); coding-DNA position 986, T replaced by C.
Protein change: p.Phe329Ser; replaces phenylalanine 329 with serine.
Molecular consequence: missense variant.
Genome position (GRCh38, 1-based): chr5:71,635,233, T>C. VCF-style: chr5-71635233-T-C. GRCh37 (hg19) VCF-style: chr5-70931060-T-C.
Other names: c.872T>C, p.Phe291Ser (NM_001363147.1); short protein forms F329S, F291S.
Identifiers: ClinVar variation 1365460 (VCV001365460.8), dbSNP rs2112438533, ClinGen allele CA359987818.